The following is an entry in ClinVar:

ClinVar aggregate classification (germline): Uncertain significance. Review status: criteria provided, multiple submitters, no conflicts (2 of 4 stars). 2 submissions from 2 submitters: Uncertain significance (2). Last evaluated 2025-09-16.

Conditions:
Cardiovascular phenotype. Identifiers: MedGen CN230736.
Hypertrophic cardiomyopathy 26. Also called: Cardiomyopathy, familial hypertrophic, 26. Identifiers: Orphanet 75249, MedGen C4310749, MONDO:0014883, OMIM 617047.
Distal myopathy with posterior leg and anterior hand involvement. Also called: WILLIAMS DISTAL MYOPATHY. Identifiers: Orphanet 63273, MedGen C3279722, MONDO:0013550, OMIM 614065.
Myofibrillar myopathy 5. Also called: FILAMINOPATHY, AUTOSOMAL DOMINANT; Filaminopathy (type). Identifiers: Orphanet 171445, MedGen C1836050, MONDO:0012289, OMIM 609524.

Allele frequency attached by ClinVar (database versions not stated): TOPMed below 0.00001.

Submissions (2):

Labcorp Genetics (formerly Invitae), Labcorp
Classification: Uncertain significance for Distal myopathy with posterior leg and anterior hand involvement; Myofibrillar myopathy 5; Hypertrophic cardiomyopathy 26. Last evaluated: 2025-09-16. Review status: criteria provided, single submitter. Criteria: Invitae Variant Classification Sherloc (09022015). Collection method: clinical testing. Allele origin: germline.
Comment: This sequence change replaces arginine, which is basic and polar, with lysine, which is basic and polar, at codon 2596 of the FLNC protein (p.Arg2596Lys). This variant is not present in population databases (gnomAD no frequency). This variant has not been reported in the literature in individuals affected with FLNC-related conditions. ClinVar contains an entry for this variant (Variation ID: 3095673). Invitae Evidence Modeling of protein sequence and biophysical properties (such as structural, functional, and spatial information, amino acid conservation, physicochemical variation, residue mobility, and thermodynamic stability) indicates that this missense variant is not expected to disrupt FLNC protein function with a negative predictive value of 95%. In summary, the available evidence is currently insufficient to determine the role of this variant in disease. Therefore, it has been classified as a Variant of Uncertain Significance.

Ambry Genetics
Classification: Uncertain significance for Cardiovascular phenotype. Last evaluated: 2023-10-14. Review status: criteria provided, single submitter. Criteria: Ambry Variant Classification Scheme 2023. Collection method: clinical testing. Allele origin: germline.

NM_001458.5(FLNC):c.7787G>A (p.Arg2596Lys)

Genes: FLNC (filamin C; plus strand), FLNC-AS1 (FLNC antisense RNA 1; minus strand). Cytogenetic location: 7q32.1.
Variant type: single nucleotide variant.
Coding change: c.7787G>A on transcript NM_001458.5 (MANE Select); coding-DNA position 7787, G replaced by A.
Protein change: p.Arg2596Lys; replaces arginine 2596 with lysine.
Molecular consequence: missense variant.
Genome position (GRCh38, 1-based): chr7:128,858,014, G>A. VCF-style: chr7-128858014-G-A. GRCh37 (hg19) VCF-style: chr7-128498068-G-A.
Other names: c.7688G>A, p.Arg2563Lys (NM_001127487.2); short protein forms R2596K, R2563K.
Identifiers: ClinVar variation 3095673 (VCV003095673.2), dbSNP rs1809142449, ClinGen allele CA369220008.
Genomic context (GRCh38, chr7:128,858,014, plus strand): 5'-GAAGAACAGGAAGCCCTTCTGACTAGGTTTGTGCCCCCTCCACCCACCCCTCAGGTCCGA[G>A]GCTGTCCGGAGGCCACAGCCTTCACGAAACATCCACGGTTCTGGTGGAGACTGTGACCAA-3'
Protein context (NP_001449.3, residues 2586-2606): SPFKAKVTGP[Arg2596Lys]LSGGHSLHET